The following is an entry in ClinVar:

NM_000384.3(APOB):c.3821C>T (p.Pro1274Leu)

Gene: APOB (apolipoprotein B; minus strand). Cytogenetic location: 2p24.1.
Variant type: single nucleotide variant.
Coding change: c.3821C>T on transcript NM_000384.3 (MANE Select); coding-DNA position 3821, C replaced by T.
Protein change: p.Pro1274Leu; replaces proline 1274 with leucine.
Molecular consequence: missense variant.
Genome position (GRCh38, 1-based): chr2:21,014,469, G>A on the plus strand (C>T on the coding strand, the complement: APOB is on the minus strand). VCF-style: chr2-21014469-G-A. GRCh37 (hg19) VCF-style: chr2-21237341-G-A.
Other names: c.3821C>T (NM_000384.2); short protein forms P1274L.
Identifiers: ClinVar variation 1991014 (VCV001991014.5), dbSNP rs1204565963, ClinGen allele CA346008217.

ClinVar aggregate classification (germline): Uncertain significance. Review status: criteria provided, multiple submitters, no conflicts (2 of 4 stars). 2 submissions from 2 submitters: Uncertain significance (2). Last evaluated 2026-03-07.

Conditions:
Familial hypobetalipoproteinemia 1. Also called: Hypobetalipoproteinemia, normotriglyceridemic; Acanthocytosis with hypobetalipoproteinemia; APOB-Related Familial Hypobetalipoproteinemia. Identifiers: MedGen C4551990, MONDO:0014252, OMIM 615558.
Hypercholesterolemia, autosomal dominant, type B (FHCL2). Also called: Familial Hypercholesterolemia Type B; APOLIPOPROTEIN B-100, FAMILIAL DEFECTIVE; APOLIPOPROTEIN B-100, FAMILIAL LIGAND-DEFECTIVE; HYPERCHOLESTEROLEMIA, FAMILIAL, DUE TO LIGAND-DEFECTIVE APOLIPOPROTEIN B; Hyperlipoproteinemia Type IIb; APOB-Related Familial Hypercholesterolemia, Autosomal Dominant. Identifiers: MedGen C1704417, MONDO:0007751, OMIM 144010.
Cardiovascular phenotype. Identifiers: MedGen CN230736.

Allele frequency attached by ClinVar (database versions not stated): TOPMed below 0.00001; gnomAD 0.00001.
gnomAD v4.1: 1 of 1,613,974 alleles (0.000062%); highest among the groups gnomAD compares: Admixed American, 0.0017%; no homozygotes.

Submissions (2):

Ambry Genetics
Classification: Uncertain significance for Cardiovascular phenotype. Last evaluated: 2026-03-07. Review status: criteria provided, single submitter. Criteria: Ambry Variant Classification Scheme 2023. Collection method: clinical testing. Allele origin: germline.
Comment: The p.P1274L variant (also known as c.3821C>T), located in coding exon 24 of the APOB gene, results from a C to T substitution at nucleotide position 3821. The proline at codon 1274 is replaced by leucine, an amino acid with similar properties. This amino acid position is conserved. In addition, this alteration is predicted to be tolerated by in silico analysis. Based on the available evidence, the clinical significance of this variant remains unclear.

Labcorp Genetics (formerly Invitae), Labcorp
Classification: Uncertain significance for Familial hypobetalipoproteinemia 1; Hypercholesterolemia, autosomal dominant, type B. Last evaluated: 2022-02-23. Review status: criteria provided, single submitter. Criteria: Invitae Variant Classification Sherloc (09022015). Collection method: clinical testing. Allele origin: germline.
Comment: Algorithms developed to predict the effect of missense changes on protein structure and function are either unavailable or do not agree on the potential impact of this missense change (SIFT: "Deleterious"; PolyPhen-2: "Probably Damaging"; Align-GVGD: "Class C0"). In summary, the available evidence is currently insufficient to determine the role of this variant in disease. Therefore, it has been classified as a Variant of Uncertain Significance. This variant has not been reported in the literature in individuals affected with APOB-related conditions. This variant is not present in population databases (gnomAD no frequency). This sequence change replaces proline, which is neutral and non-polar, with leucine, which is neutral and non-polar, at codon 1274 of the APOB protein (p.Pro1274Leu).